The following is an entry in ClinVar:

ClinVar aggregate classification (germline): Uncertain significance (1 of 4 stars; one submission).

Conditions:
Inborn genetic diseases. Identifiers: MedGen C0950123, MeSH D030342.

Submission:

Ambry Genetics
Classification: Uncertain significance for Inborn genetic diseases. Last evaluated: 2026-04-02. Review status: criteria provided, single submitter. Criteria: Ambry Variant Classification Scheme 2023. Collection method: clinical testing. Allele origin: germline.
Comment: The p.I452V variant (also known as c.1354A>G), located in coding exon 1 of the SAMD9L gene, results from an A to G substitution at nucleotide position 1354. The isoleucine at codon 452 is replaced by valine, an amino acid with highly similar properties. This amino acid position is conserved. In addition, this alteration is predicted to be tolerated by in silico analysis. Based on the available evidence, the clinical significance of this variant remains unclear.

NM_152703.5(SAMD9L):c.1354A>G (p.Ile452Val)

Gene: SAMD9L (sterile alpha motif domain containing 9 like; minus strand). Cytogenetic location: 7q21.2.
Variant type: single nucleotide variant.
Coding change: c.1354A>G on transcript NM_152703.5 (MANE Select); coding-DNA position 1354, A replaced by G.
Protein change: p.Ile452Val; replaces isoleucine 452 with valine.
Molecular consequence: missense variant.
Genome position (GRCh38, 1-based): chr7:93,134,618, T>C on the plus strand (A>G on the coding strand, the complement: SAMD9L is on the minus strand). VCF-style: chr7-93134618-T-C. GRCh37 (hg19) VCF-style: chr7-92763931-T-C.
Other names: c.1354A>G, p.Ile452Val (NM_001303496.3, NM_001303497.3, NM_001303498.3 and 5 more transcripts); short protein forms I452V.
Identifiers: ClinVar variation 4863924 (VCV004863924.1).